The following is an entry in ClinVar:

ClinVar aggregate classification (germline): Uncertain significance (1 of 4 stars; one submission).

Submission:

Labcorp Genetics (formerly Invitae), Labcorp
Classification: Uncertain significance. Last evaluated: 2024-08-21. Review status: criteria provided, single submitter. Criteria: Invitae Variant Classification Sherloc (09022015). Collection method: clinical testing. Allele origin: germline.
Comment: This sequence change replaces aspartic acid, which is acidic and polar, with asparagine, which is neutral and polar, at codon 1338 of the COL11A1 protein (p.Asp1338Asn). This variant is not present in population databases (gnomAD no frequency). This variant has not been reported in the literature in individuals affected with COL11A1-related conditions. Invitae Evidence Modeling of protein sequence and biophysical properties (such as structural, functional, and spatial information, amino acid conservation, physicochemical variation, residue mobility, and thermodynamic stability) indicates that this missense variant is not expected to disrupt COL11A1 protein function with a negative predictive value of 95%. In summary, the available evidence is currently insufficient to determine the role of this variant in disease. Therefore, it has been classified as a Variant of Uncertain Significance.

NM_001854.4(COL11A1):c.4012G>A (p.Asp1338Asn)

Gene: COL11A1 (collagen type XI alpha 1 chain; minus strand). Cytogenetic location: 1p21.1.
Variant type: single nucleotide variant.
Coding change: c.4012G>A on transcript NM_001854.4 (MANE Select); coding-DNA position 4012, G replaced by A.
Protein change: p.Asp1338Asn; replaces aspartic acid 1338 with asparagine.
Molecular consequence: missense variant. On other transcripts: non-coding transcript variant (1).
Genome position (GRCh38, 1-based): chr1:102,913,657, C>T on the plus strand (G>A on the coding strand, the complement: COL11A1 is on the minus strand). VCF-style: chr1-102913657-C-T. GRCh37 (hg19) VCF-style: chr1-103379213-C-T.
Other names: c.3895G>A, p.Asp1299Asn (NM_001190709.2); c.4048G>A, p.Asp1350Asn (NM_080629.3); c.3664G>A, p.Asp1222Asn (NM_080630.4); short protein forms D1350N, D1338N, D1222N, D1299N.
Identifiers: ClinVar variation 3680133 (VCV003680133.2).